The following is an entry in ClinVar:

NM_000135.4(FANCA):c.539_540dup (p.Ala181fs)

Gene: FANCA (FA complementation group A; minus strand). Cytogenetic location: 16q24.3.
Variant type: Duplication.
Coding change: c.539_540dup on transcript NM_000135.4 (MANE Select); coding-DNA positions 539 to 540, 2 bases duplicated (AA; older notation c.539_540dupAA).
Protein change: p.Ala181fs; shifts the reading frame from alanine 181.
Molecular consequence: frameshift variant.
Genome position (GRCh38, 1-based): chr16:89,808,350-89,808,351, TT duplicated on the plus strand (AA on the coding strand, the reverse complement: FANCA is on the minus strand). VCF-style (leftmost placement, unchanged base first): chr16-89808349-C-CTT. GRCh37 (hg19) VCF-style: chr16-89874757-C-CTT.
Other names: c.539_540dup, p.Ala181fs (NM_001018112.3, NM_001286167.3); c.443_444dup, p.Ala149fs (NM_001351830.2); c.539_540dup (NM_000135.3); short protein forms A149fs, A181fs.
Identifiers: ClinVar variation 2675456 (VCV002675456.3), dbSNP rs747645948, ClinGen allele CA8252942.

ClinVar aggregate classification (germline): Likely pathogenic. Review status: criteria provided, multiple submitters, no conflicts (2 of 4 stars). 2 submissions from 2 submitters: Likely pathogenic (2). Last evaluated 2025-04-28.

Conditions:
Fanconi anemia (FA). Also called: Fanconi's anemia. Identifiers: Orphanet 84, MedGen C0015625, MeSH D005199, MONDO:0019391.
Fanconi anemia complementation group A (FANCA). Also called: FANCA-Related Fanconi Anemia; Fanconi anemia, group A. Identifiers: Orphanet 84, MedGen C3469521, MONDO:0009215, OMIM 227650.

Allele frequency attached by ClinVar (database versions not stated): gnomAD exomes 0.00001; ExAC 0.00002.

Submissions (2):

Natera, Inc.
Classification: Likely pathogenic for Fanconi anemia. Last evaluated: 2025-04-28. Review status: criteria provided, single submitter. Criteria: Natera Variant Classification Schema (03/2026). Collection method: clinical testing. Allele origin: germline.
Comment: The c.539_540dup variant in FANCA is a frameshift variant predicted to shift the reading frame beginning at codon 181 and leads to a stop codon 12 codons downstream. This variant is expected to result in nonsense mediated decay, truncation, or a dysfunctional protein product. This variant is rare in the general population with a frequency below the threshold expected for the associated phenotype(s). Given the available evidence, this variant is classified as Likely Pathogenic.

Baylor Genetics
Classification: Likely pathogenic for Fanconi anemia complementation group A. Last evaluated: 2022-06-19. Review status: criteria provided, single submitter. Criteria: ACMG Guidelines, 2015. Collection method: clinical testing. Allele origin: unknown.